The following is an entry in ClinVar:

ClinVar aggregate classification (germline): Uncertain significance (1 of 4 stars; one submission).

Conditions:
Maple syrup urine disease (MSUD). Identifiers: Orphanet 511, MedGen C0024776, MeSH D008375, MONDO:0009563. Disease mechanism: loss of function.

Allele frequency attached by ClinVar (database versions not stated): gnomAD exomes 0.00001.
gnomAD v4.1: 18 of 1,613,946 alleles (0.0011%); highest among the groups gnomAD compares: Non-Finnish European, 0.0015%; no homozygotes.

Submission:

Labcorp Genetics (formerly Invitae), Labcorp
Classification: Uncertain significance for Maple syrup urine disease. Last evaluated: 2022-12-08. Review status: criteria provided, single submitter. Criteria: Invitae Variant Classification Sherloc (09022015). Collection method: clinical testing. Allele origin: germline.
Comment: This missense change has been observed in individual(s) with maple syrup urine disease (Invitae). In at least one individual the data is consistent with being in trans (on the opposite chromosome) from a pathogenic variant. This variant is not present in population databases (gnomAD no frequency). This sequence change replaces tyrosine, which is neutral and polar, with aspartic acid, which is acidic and polar, at codon 152 of the BCKDHB protein (p.Tyr152Asp). In summary, the available evidence is currently insufficient to determine the role of this variant in disease. Therefore, it has been classified as a Variant of Uncertain Significance. Advanced modeling of protein sequence and biophysical properties (such as structural, functional, and spatial information, amino acid conservation, physicochemical variation, residue mobility, and thermodynamic stability) performed at Invitae indicates that this missense variant is expected to disrupt BCKDHB protein function. ClinVar contains an entry for this variant (Variation ID: 1518019).

NM_183050.4(BCKDHB):c.454T>G (p.Tyr152Asp)

Gene: BCKDHB (branched chain keto acid dehydrogenase E1 subunit beta; plus strand). Cytogenetic location: 6q14.1.
Variant type: single nucleotide variant.
Coding change: c.454T>G on transcript NM_183050.4 (MANE Select); coding-DNA position 454, T replaced by G.
Protein change: p.Tyr152Asp; replaces tyrosine 152 with aspartic acid.
Molecular consequence: missense variant. On other transcripts: non-coding transcript variant (1).
Genome position (GRCh38, 1-based): chr6:80,167,788, T>G. VCF-style: chr6-80167788-T-G. GRCh37 (hg19) VCF-style: chr6-80877505-T-G.
Other names: c.454T>G, p.Tyr152Asp (NM_000056.5); c.244T>G, p.Tyr82Asp (NM_001318975.1); short protein forms Y82D, Y152D.
Identifiers: ClinVar variation 1518019 (VCV001518019.8), dbSNP rs2127773518, ClinGen allele CA364660587.
Genomic context (GRCh38, chr6:80,167,788, plus strand): 5'-TTTGGAATCGGAATTGCGGTCACTGGAGCTACTGCCATTGCGGAAATTCAGTTTGCAGAT[T>G]ATATTTTCCCTGCATTTGATCAGGTAAGTGAATGAACATTTCTAAGGTTGTTCATTCATT-3'
Protein context (NP_898871.1, residues 142-162): TAIAEIQFAD[Tyr152Asp]IFPAFDQIVN